The following is an entry in ClinVar:

ClinVar aggregate classification (germline): Uncertain significance (1 of 4 stars; one submission).

Conditions:
Familial adenomatous polyposis 1 (FAP1). Also called: POLYPOSIS, ADENOMATOUS INTESTINAL; FAMILIAL ADENOMATOUS POLYPOSIS 1, ATTENUATED. Identifiers: MedGen C2713442, MONDO:0021056, OMIM 175100. Disease mechanism: loss of function.

Submission:

Labcorp Genetics (formerly Invitae), Labcorp
Classification: Uncertain significance for Familial adenomatous polyposis 1. Last evaluated: 2025-02-26. Review status: criteria provided, single submitter. Criteria: Invitae Variant Classification Sherloc (09022015). Collection method: clinical testing. Allele origin: germline.
Comment: This variant occurs in a non-coding region of the APC gene. It does not change the encoded amino acid sequence of the APC protein. This variant is not present in population databases (gnomAD no frequency). This variant has not been reported in the literature in individuals affected with APC-related conditions. Experimental studies and prediction algorithms are not available or were not evaluated, and the functional significance of this variant is currently unknown. In summary, the available evidence is currently insufficient to determine the role of this variant in disease. Therefore, it has been classified as a Variant of Uncertain Significance.

NM_001127511.3(APC):c.-60G>T

Gene: APC (APC regulator of Wnt signaling pathway; plus strand). Cytogenetic location: 5q22.2.
Variant type: single nucleotide variant.
Coding change: c.-60G>T on transcript NM_001127511.3; 60 bases upstream of the start codon, G replaced by T.
Molecular consequence: 5 prime UTR variant. On other transcripts: non-coding transcript variant (1), intron variant (5).
Genome position (GRCh38, 1-based): chr5:112,707,658, G>T. VCF-style: chr5-112707658-G-T. GRCh37 (hg19) VCF-style: chr5-112043355-G-T.
Other names: c.-243G>T (NM_001354895.2, NM_001407447.1, NM_001407452.1 and 3 more transcripts); c.-60G>T (NM_001354897.2, NM_001354902.2, NM_001407446.1); c.-1278G>T (NM_001407470.1, NM_001407472.1); c.-19+9G>T (NM_001407448.1, NM_001407450.1, NM_001407457.1 and 1 more transcripts); c.-43+9G>T (NM_001407453.1).
Identifiers: ClinVar variation 4761707 (VCV004761707.1).